The following is an entry in ClinVar:

NM_018979.4(WNK1):c.4007T>C (p.Val1336Ala)

Gene: WNK1 (WNK lysine deficient protein kinase 1; plus strand). Cytogenetic location: 12p13.33.
Variant type: single nucleotide variant.
Coding change: c.4007T>C on transcript NM_018979.4 (MANE Select); coding-DNA position 4007, T replaced by C.
Protein change: p.Val1336Ala; replaces valine 1336 with alanine.
Molecular consequence: missense variant.
Genome position (GRCh38, 1-based): chr12:884,811, T>C. VCF-style: chr12-884811-T-C. GRCh37 (hg19) VCF-style: chr12-993977-T-C.
Other names: c.4787T>C, p.Val1596Ala (NM_001184985.2); c.3266T>C, p.Val1089Ala (NM_014823.3); c.4763T>C, p.Val1588Ala (NM_213655.5); short protein forms V1089A, V1588A, V1596A, V1336A.
Identifiers: ClinVar variation 2935680 (VCV002935680.3), dbSNP rs1953506926, ClinGen allele CA383330375.

ClinVar aggregate classification (germline): Uncertain significance (1 of 4 stars; one submission).

Conditions:
Neuropathy, hereditary sensory and autonomic, type 2A (HSAN2A). Also called: ACROOSTEOLYSIS, GIACCAI TYPE; ACROOSTEOLYSIS, NEUROGENIC; MORVAN DISEASE; NEUROPATHY, CONGENITAL SENSORY; NEUROPATHY, HEREDITARY SENSORY RADICULAR, AUTOSOMAL RECESSIVE; NEUROPATHY, HEREDITARY SENSORY, TYPE IIA. Identifiers: Orphanet 970, MedGen C2752089, MONDO:0024309, OMIM 201300.
Pseudohypoaldosteronism type 2C (PHA2C). Also called: Pseudohypoaldosteronism Type IIC. Identifiers: Orphanet 757, Orphanet 88940, MedGen C1840391, MONDO:0013778, OMIM 614492.

Allele frequency attached by ClinVar (database versions not stated): gnomAD exomes below 0.00001.
gnomAD v4.1: 2 of 1,614,172 alleles (0.00012%); highest among the groups gnomAD compares: Middle Eastern, 0.016%; no homozygotes.

Submission:

Labcorp Genetics (formerly Invitae), Labcorp
Classification: Uncertain significance for Neuropathy, hereditary sensory and autonomic, type 2A; Pseudohypoaldosteronism type 2C. Last evaluated: 2023-03-21. Review status: criteria provided, single submitter. Criteria: Invitae Variant Classification Sherloc (09022015). Collection method: clinical testing. Allele origin: germline.
Comment: Advanced modeling of protein sequence and biophysical properties (such as structural, functional, and spatial information, amino acid conservation, physicochemical variation, residue mobility, and thermodynamic stability) performed at Invitae indicates that this missense variant is not expected to disrupt WNK1 protein function. In summary, the available evidence is currently insufficient to determine the role of this variant in disease. Therefore, it has been classified as a Variant of Uncertain Significance. This variant has not been reported in the literature in individuals affected with WNK1-related conditions. This variant is not present in population databases (gnomAD no frequency). This sequence change replaces valine, which is neutral and non-polar, with alanine, which is neutral and non-polar, at codon 1588 of the WNK1 protein (p.Val1588Ala).